The following is an entry in ClinVar:

ClinVar aggregate classification (germline): Uncertain significance (1 of 4 stars; one submission).

Conditions:
Inborn genetic diseases. Identifiers: MedGen C0950123, MeSH D030342.

gnomAD v4.1: 3 of 1,613,940 alleles (0.00019%); highest among the groups gnomAD compares: East Asian, 0.0022%; no homozygotes.

Submission:

Ambry Genetics
Classification: Uncertain significance for Inborn genetic diseases. Last evaluated: 2025-03-25. Review status: criteria provided, single submitter. Criteria: Ambry Variant Classification Scheme 2023. Collection method: clinical testing. Allele origin: germline.
Comment: The p.F1210L variant (also known as c.3630C>A), located in coding exon 37 of the FANCA gene, results from a C to A substitution at nucleotide position 3630. The phenylalanine at codon 1210 is replaced by leucine, an amino acid with highly similar properties. This amino acid position is conserved. In addition, this alteration is predicted to be tolerated by in silico analysis. Based on the available evidence, the clinical significance of this variant remains unclear.

NM_000135.4(FANCA):c.3630C>A (p.Phe1210Leu)

Gene: FANCA (FA complementation group A; minus strand). Cytogenetic location: 16q24.3.
Variant type: single nucleotide variant.
Coding change: c.3630C>A on transcript NM_000135.4 (MANE Select); coding-DNA position 3630, C replaced by A.
Protein change: p.Phe1210Leu; replaces phenylalanine 1210 with leucine.
Molecular consequence: missense variant.
Genome position (GRCh38, 1-based): chr16:89,742,935, G>T on the plus strand (C>A on the coding strand, the complement: FANCA is on the minus strand). VCF-style: chr16-89742935-G-T. GRCh37 (hg19) VCF-style: chr16-89809343-G-T.
Other names: c.3630C>A, p.Phe1210Leu (NM_001286167.3); short protein forms F1210L.
Identifiers: ClinVar variation 4022107 (VCV004022107.1).